The following is an entry in ClinVar:

NM_020778.5(ALPK3):c.3352G>T (p.Ala1118Ser)

Gene: ALPK3 (alpha kinase 3; plus strand). Cytogenetic location: 15q25.3.
Variant type: single nucleotide variant.
Coding change: c.3352G>T on transcript NM_020778.5 (MANE Select); coding-DNA position 3352, G replaced by T.
Protein change: p.Ala1118Ser; replaces alanine 1118 with serine.
Molecular consequence: missense variant.
Genome position (GRCh38, 1-based): chr15:84,858,090, G>T. VCF-style: chr15-84858090-G-T. GRCh37 (hg19) VCF-style: chr15-85401321-G-T.
Other names: short protein forms A1118S.
Identifiers: ClinVar variation 4743765 (VCV004743765.1).

ClinVar aggregate classification (germline): Uncertain significance (1 of 4 stars; one submission).

Submission:

Labcorp Genetics (formerly Invitae), Labcorp
Classification: Uncertain significance. Last evaluated: 2025-05-22. Review status: criteria provided, single submitter. Criteria: Invitae Variant Classification Sherloc (09022015). Collection method: clinical testing. Allele origin: germline.
Comment: This sequence change replaces alanine, which is neutral and non-polar, with serine, which is neutral and polar, at codon 1320 of the ALPK3 protein (p.Ala1320Ser). This variant is not present in population databases (gnomAD no frequency). This variant has not been reported in the literature in individuals affected with ALPK3-related conditions. Invitae Evidence Modeling of protein sequence and biophysical properties (such as structural, functional, and spatial information, amino acid conservation, physicochemical variation, residue mobility, and thermodynamic stability) indicates that this missense variant is not expected to disrupt ALPK3 protein function with a negative predictive value of 80%. In summary, the available evidence is currently insufficient to determine the role of this variant in disease. Therefore, it has been classified as a Variant of Uncertain Significance.